The following is an entry in ClinVar:

NM_001127178.3(PIGG):c.305C>A (p.Ser102Tyr)

Gene: PIGG (phosphatidylinositol glycan anchor biosynthesis class G (EMM blood group); plus strand). Cytogenetic location: 4p16.3.
Variant type: single nucleotide variant.
Coding change: c.305C>A on transcript NM_001127178.3 (MANE Select); coding-DNA position 305, C replaced by A.
Protein change: p.Ser102Tyr; replaces serine 102 with tyrosine.
Molecular consequence: missense variant. On other transcripts: 5 prime UTR variant (5), non-coding transcript variant (10).
Genome position (GRCh38, 1-based): chr4:500,546, C>A. VCF-style: chr4-500546-C-A. GRCh37 (hg19) VCF-style: chr4-494335-C-A.
Other names: c.38C>A, p.Ser13Tyr (NM_001289051.2, NM_001289053.2, NM_001289057.2 and 2 more transcripts); c.305C>A, p.Ser102Tyr (NM_001289052.2, NM_001345989.2, NM_017733.5); c.-132C>A (NM_001289055.2); c.-583C>A (NM_001345988.2); c.-1321C>A (NM_001345990.2); c.-1183C>A (NM_001345991.2); c.-908C>A (NM_001345994.2); short protein forms S13Y, S102Y.
Identifiers: ClinVar variation 1033709 (VCV001033709.7), dbSNP rs1310018267, ClinGen allele CA355891606.
Genomic context (GRCh38, chr4:500,546, plus strand): 5'-TTGGGTCAAAGGGTGTGAAATTTATGCCCTACACAACTTACCTTGTGGAAAAAGGAGCAT[C>A]TCACAGTTTTGTGGCTGAAGCAAAGCCACCTACAGTTACTATGCCTCGAATCAAGGTAAG-3'
Protein context (NP_001120650.1, residues 92-112): YTTYLVEKGA[Ser102Tyr]HSFVAEAKPP

ClinVar aggregate classification (germline): Uncertain significance. Review status: criteria provided, multiple submitters, no conflicts (2 of 4 stars). 3 submissions from 3 submitters: Uncertain significance (3). Last evaluated 2025-02-14.

Conditions:
Inborn genetic diseases. Identifiers: MedGen C0950123, MeSH D030342.
Intellectual disability, autosomal recessive 53 (NEDHSCA). Also called: NEURODEVELOPMENTAL DISORDER WITH OR WITHOUT HYPOTONIA, SEIZURES, AND CEREBELLAR ATROPHY; GLYCOSYLPHOSPHATIDYLINOSITOL BIOSYNTHESIS DEFECT 13; Mental retardation, autosomal recessive 53. Identifiers: Orphanet 488635, MedGen C4310794, MONDO:0014832, OMIM 616917.

Allele frequency attached by ClinVar (database versions not stated): gnomAD exomes 0.00001; TOPMed 0.00001.
gnomAD v4.1: 3 of 1,613,680 alleles (0.00019%); highest among the groups gnomAD compares: Admixed American, 0.005%; no homozygotes.

Submissions (3):

Ambry Genetics
Classification: Uncertain significance for Inborn genetic diseases. Last evaluated: 2025-02-14. Review status: criteria provided, single submitter. Criteria: Ambry Variant Classification Scheme 2023. Collection method: clinical testing. Allele origin: germline.

Labcorp Genetics (formerly Invitae), Labcorp
Classification: Uncertain significance for Intellectual disability, autosomal recessive 53. Last evaluated: 2022-06-09. Review status: criteria provided, single submitter. Criteria: Invitae Variant Classification Sherloc (09022015). Collection method: clinical testing. Allele origin: germline.
Comment: This variant is present in population databases (no rsID available, gnomAD 0.009%). This sequence change replaces serine, which is neutral and polar, with tyrosine, which is neutral and polar, at codon 102 of the PIGG protein (p.Ser102Tyr). This variant has not been reported in the literature in individuals affected with PIGG-related conditions. In summary, the available evidence is currently insufficient to determine the role of this variant in disease. Therefore, it has been classified as a Variant of Uncertain Significance. Algorithms developed to predict the effect of missense changes on protein structure and function are either unavailable or do not agree on the potential impact of this missense change (SIFT: "Deleterious"; PolyPhen-2: "Probably Damaging"; Align-GVGD: "Class C0"). ClinVar contains an entry for this variant (Variation ID: 1033709).

Baylor Genetics
Classification: Uncertain significance for Intellectual disability, autosomal recessive 53. Last evaluated: 2018-01-30. Review status: criteria provided, single submitter. Criteria: ACMG Guidelines, 2015. Collection method: clinical testing. Allele origin: paternal. Affected: yes.
Comment: This variant was determined to be of uncertain significance according to ACMG Guidelines, 2015 [PMID:25741868].